The following is an entry in ClinVar:

ClinVar aggregate classification (germline): Uncertain significance (1 of 4 stars; one submission).

gnomAD v4.1: 1 of 1,614,050 alleles (0.000062%); highest among the groups gnomAD compares: Admixed American, 0.0017%; no homozygotes.

Submission:

GeneDx
Classification: Uncertain significance. Last evaluated: 2025-08-10. Review status: criteria provided, single submitter. Criteria: GeneDx Variant Classification Process June 2021. Collection method: clinical testing. Allele origin: germline. Affected: yes.
Comment: Not observed at significant frequency in large population cohorts (gnomAD); In silico analysis supports that this missense variant has a deleterious effect on protein structure/function; Has not been previously published as pathogenic or benign to our knowledge

NM_004415.4(DSP):c.1708A>G (p.Thr570Ala)

Gene: DSP (desmoplakin; plus strand). Cytogenetic location: 6p24.3.
Variant type: single nucleotide variant.
Coding change: c.1708A>G on transcript NM_004415.4 (MANE Select); coding-DNA position 1708, A replaced by G.
Protein change: p.Thr570Ala; replaces threonine 570 with alanine.
Molecular consequence: missense variant.
Genome position (GRCh38, 1-based): chr6:7,571,389, A>G. VCF-style: chr6-7571389-A-G. GRCh37 (hg19) VCF-style: chr6-7571622-A-G.
Other names: c.1708A>G, p.Thr570Ala (NM_001008844.3, NM_001319034.2); short protein forms T570A.
Identifiers: ClinVar variation 4795546 (VCV004795546.1).